The following is an entry in ClinVar:

NM_001375567.1(FOCAD):c.2902G>C (p.Ala968Pro)

Gene: FOCAD (focadhesin; plus strand). Cytogenetic location: 9p21.3.
Variant type: single nucleotide variant.
Coding change: c.2902G>C on transcript NM_001375567.1 (MANE Select); coding-DNA position 2902, G replaced by C.
Protein change: p.Ala968Pro; replaces alanine 968 with proline.
Molecular consequence: missense variant.
Genome position (GRCh38, 1-based): chr9:20,923,709, G>C. VCF-style: chr9-20923709-G-C. GRCh37 (hg19) VCF-style: chr9-20923708-G-C.
Other names: c.2797G>C, p.Ala933Pro (NM_001375568.1, NM_001375570.1); c.2902G>C, p.Ala968Pro (NM_017794.5); short protein forms A968P, A933P.
Identifiers: ClinVar variation 3647778 (VCV003647778.2).

ClinVar aggregate classification (germline): Uncertain significance (1 of 4 stars; one submission).

Submission:

Labcorp Genetics (formerly Invitae), Labcorp
Classification: Uncertain significance. Last evaluated: 2024-11-06. Review status: criteria provided, single submitter. Criteria: Invitae Variant Classification Sherloc (09022015). Collection method: clinical testing. Allele origin: germline.
Comment: This sequence change replaces alanine, which is neutral and non-polar, with proline, which is neutral and non-polar, at codon 968 of the FOCAD protein (p.Ala968Pro). This variant is not present in population databases (gnomAD no frequency). This variant has not been reported in the literature in individuals affected with FOCAD-related conditions. Experimental studies and prediction algorithms are not available or were not evaluated, and the functional significance of this variant is currently unknown. In summary, the available evidence is currently insufficient to determine the role of this variant in disease. Therefore, it has been classified as a Variant of Uncertain Significance.